The following is an entry in ClinVar:

ClinVar aggregate classification (germline): Pathogenic (1 of 4 stars; one submission).

Submission:

Labcorp Genetics (formerly Invitae), Labcorp
Classification: Pathogenic. Last evaluated: 2023-01-15. Review status: criteria provided, single submitter. Criteria: Invitae Variant Classification Sherloc (09022015). Collection method: clinical testing. Allele origin: germline.
Comment: For these reasons, this variant has been classified as Pathogenic. This variant has not been reported in the literature in individuals affected with ALDH3A2-related conditions. This variant is not present in population databases (gnomAD no frequency). This sequence change creates a premature translational stop signal (p.Glu38Aspfs*17) in the ALDH3A2 gene. It is expected to result in an absent or disrupted protein product. Loss-of-function variants in ALDH3A2 are known to be pathogenic (PMID: 10577908, 10854114).

Literature cited by the submitters: PubMed 10577908; PubMed 10854114.

NM_000382.3(ALDH3A2):c.113_114insTCGC (p.Glu38fs)

Gene: ALDH3A2 (aldehyde dehydrogenase 3 family member A2; plus strand). Cytogenetic location: 17p11.2.
Variant type: Insertion.
Coding change: c.113_114insTCGC on transcript NM_000382.3 (MANE Select); coding-DNA positions 113 to 114, TCGC inserted.
Protein change: p.Glu38fs; shifts the reading frame from glutamic acid 38.
Molecular consequence: frameshift variant. On other transcripts: 5 prime UTR variant (1).
Genome position: GRCh38 VCF-style: chr17-19649084-A-ATCGC. GRCh37 (hg19) VCF-style: chr17-19552397-A-ATCGC.
Other names: c.113_114insTCGC, p.Glu38fs (NM_001031806.2, NM_001369136.1, NM_001369137.2 and 3 more transcripts); c.-576_-575insTCGC (NM_001369148.2); short protein forms E38fs.
Identifiers: ClinVar variation 2828684 (VCV002828684.3), dbSNP rs2544349369, ClinGen allele CA2739267248.